The following is an entry in ClinVar:

ClinVar aggregate classification (germline): Pathogenic (1 of 4 stars; one submission).

Conditions:
Immunodeficiency, common variable, 7. Identifiers: Orphanet 1572, Orphanet 696894, MedGen C3542922, MONDO:0013862, OMIM 614699.

Submission:

Labcorp Genetics (formerly Invitae), Labcorp
Classification: Pathogenic for Immunodeficiency, common variable, 7. Last evaluated: 2022-11-01. Review status: criteria provided, single submitter. Criteria: Invitae Variant Classification Sherloc (09022015). Collection method: clinical testing. Allele origin: germline.
Comment: For these reasons, this variant has been classified as Pathogenic. This variant has not been reported in the literature in individuals affected with CR2-related conditions. This sequence change creates a premature translational stop signal (p.Val626Aspfs*6) in the CR2 gene. It is expected to result in an absent or disrupted protein product. Loss-of-function variants in CR2 are known to be pathogenic (PMID: 26325596, 28499783). This variant is not present in population databases (gnomAD no frequency).

Literature cited by the submitters: PubMed 26325596; PubMed 28499783.

NM_001006658.3(CR2):c.1877_1878del (p.Val626fs)

Gene: CR2 (complement C3d receptor 2; plus strand). Cytogenetic location: 1q32.2.
Variant type: Microsatellite.
Coding change: c.1877_1878del on transcript NM_001006658.3 (MANE Select); coding-DNA positions 1877 to 1878, 2 bases deleted (TG; older notation c.1877_1878delTG).
Protein change: p.Val626fs; shifts the reading frame from valine 626.
Molecular consequence: frameshift variant.
Genome position (GRCh38, 1-based): chr1:207,473,078-207,473,079, TG deleted; deleting any 2 consecutive bases within chr1:207,473,076-207,473,079 gives the same sequence; the c. name uses the placement nearest the transcript's 3' end. VCF-style (leftmost placement, unchanged base first): chr1-207473075-CTG-C. GRCh37 (hg19) VCF-style: chr1-207646420-CTG-C.
Other names: c.1877_1878del, p.Val626fs (NM_001877.5); short protein forms V626fs.
Identifiers: ClinVar variation 2128585 (VCV002128585.4), dbSNP rs2527222545, ClinGen allele CA2580611534.